The following is an entry in ClinVar:

NM_006030.4(CACNA2D2):c.1169C>T (p.Ala390Val)

Gene: CACNA2D2 (calcium voltage-gated channel auxiliary subunit alpha2delta 2; minus strand). Cytogenetic location: 3p21.31.
Variant type: single nucleotide variant.
Coding change: c.1169C>T on transcript NM_006030.4 (MANE Select); coding-DNA position 1169, C replaced by T.
Protein change: p.Ala390Val; replaces alanine 390 with valine.
Molecular consequence: missense variant.
Genome position (GRCh38, 1-based): chr3:50,379,183, G>A on the plus strand (C>T on the coding strand, the complement: CACNA2D2 is on the minus strand). VCF-style: chr3-50379183-G-A. GRCh37 (hg19) VCF-style: chr3-50416614-G-A.
Other names: c.1169C>T, p.Ala390Val (NM_001005505.3, NM_001174051.3); c.962C>T, p.Ala321Val (NM_001291101.1); short protein forms A390V, A321V.
Identifiers: ClinVar variation 1508399 (VCV001508399.7), dbSNP rs2106659535, ClinGen allele CA352934711.

ClinVar aggregate classification (germline): Uncertain significance (1 of 4 stars; one submission).

Conditions:
Early-infantile DEE. Also called: Early infantile epileptic encephalopathy; Early infantile epileptic encephalopathy with suppression bursts; Ohtahara syndrome. Identifiers: Orphanet 1934, MedGen C0393706, MONDO:0800491.

Submission:

Labcorp Genetics (formerly Invitae), Labcorp
Classification: Uncertain significance for Early-infantile DEE. Last evaluated: 2023-12-18. Review status: criteria provided, single submitter. Criteria: Invitae Variant Classification Sherloc (09022015). Collection method: clinical testing. Allele origin: germline.
Comment: This sequence change replaces alanine, which is neutral and non-polar, with valine, which is neutral and non-polar, at codon 390 of the CACNA2D2 protein (p.Ala390Val). This variant is not present in population databases (gnomAD no frequency). This variant has not been reported in the literature in individuals affected with CACNA2D2-related conditions. ClinVar contains an entry for this variant (Variation ID: 1508399). An algorithm developed to predict the effect of missense changes on protein structure and function (PolyPhen-2) suggests that this variant is likely to be disruptive. In summary, the available evidence is currently insufficient to determine the role of this variant in disease. Therefore, it has been classified as a Variant of Uncertain Significance.